The following is an entry in ClinVar:

NM_005219.5(DIAPH1):c.3661G>A (p.Ala1221Thr)

Gene: DIAPH1 (diaphanous related formin 1; minus strand). Cytogenetic location: 5q31.3.
Variant type: single nucleotide variant.
Coding change: c.3661G>A on transcript NM_005219.5 (MANE Select); coding-DNA position 3661, G replaced by A.
Protein change: p.Ala1221Thr; replaces alanine 1221 with threonine.
Molecular consequence: missense variant.
Genome position (GRCh38, 1-based): chr5:141,524,143, C>T on the plus strand (G>A on the coding strand, the complement: DIAPH1 is on the minus strand). VCF-style: chr5-141524143-C-T. GRCh37 (hg19) VCF-style: chr5-140903710-C-T.
Other names: c.3634G>A, p.Ala1212Thr (NM_001079812.3); c.3661G>A, p.Asp1221Asn (NM_001314007.2); short protein forms A1221T, D1221N, A1212T.
Identifiers: ClinVar variation 2944512 (VCV002944512.3), dbSNP rs1185864756, ClinGen allele CA361574993.
Genomic context (GRCh38, chr5:141,524,143, plus strand): 5'-CAGGAGTAGAGAGCCCTCACCCCCTTCGACACCCAGGATGAGCTCCATGTGCTTACTTAC[C>T]TTGACGGGGCCCTCTCTTCCGTCGGAATGCTGCCCCTGACTGCAGGGCTTCTAGAAGACT-3'
Protein context (NP_005210.3, residues 1211-1231): AFRRKRGPRQ[Ala1221Thr]NRKAGCAVTS

ClinVar aggregate classification (germline): Uncertain significance (1 of 4 stars; one submission).

Conditions:
Autosomal dominant nonsyndromic hearing loss 1. Also called: KONIGSMARK SYNDROME; DEAFNESS, AUTOSOMAL DOMINANT 1, WITH OR WITHOUT THROMBOCYTOPENIA. Identifiers: Orphanet 90635, MedGen C1852282, MONDO:0007424, OMIM 124900.
Progressive microcephaly-seizures-cortical blindness-developmental delay syndrome. Also called: Seizures, cortical blindness, and microcephaly syndrome. Identifiers: Orphanet 477814, MedGen C5567650, MONDO:0014714, OMIM 616632.

gnomAD v4.1: 3 of 1,614,094 alleles (0.00019%); highest among the groups gnomAD compares: East Asian, 0.0045%; no homozygotes.

Submission:

Labcorp Genetics (formerly Invitae), Labcorp
Classification: Uncertain significance for Progressive microcephaly-seizures-cortical blindness-developmental delay syndrome; Autosomal dominant nonsyndromic hearing loss 1. Last evaluated: 2023-04-22. Review status: criteria provided, single submitter. Criteria: Invitae Variant Classification Sherloc (09022015). Collection method: clinical testing. Allele origin: germline.
Comment: This sequence change replaces alanine, which is neutral and non-polar, with threonine, which is neutral and polar, at codon 1221 of the DIAPH1 protein (p.Ala1221Thr). This variant also falls at the last nucleotide of exon 27, which is part of the consensus splice site for this exon. This variant is not present in population databases (gnomAD no frequency). This variant has not been reported in the literature in individuals affected with DIAPH1-related conditions. In summary, the available evidence is currently insufficient to determine the role of this variant in disease. Therefore, it has been classified as a Variant of Uncertain Significance. Variants that disrupt the consensus splice site are a relatively common cause of aberrant splicing (PMID: 17576681, 9536098). Algorithms developed to predict the effect of sequence changes on RNA splicing suggest that this variant may create or strengthen a splice site. An algorithm developed to predict the effect of missense changes on protein structure and function (PolyPhen-2) suggests that this variant is likely to be tolerated.

Literature cited by the submitters: PubMed 17576681; PubMed 9536098.